The following is an entry in ClinVar:

NM_001395413.1(POR):c.823C>T (p.Pro275Ser)

Genes: POR (cytochrome p450 oxidoreductase; plus strand), LOC126860075 (CDK7 strongly-dependent group 2 enhancer GRCh37_chr7:75612087-75613286; plus strand). Cytogenetic location: 7q11.23.
Variant type: single nucleotide variant.
Coding change: c.823C>T on transcript NM_001395413.1 (MANE Select); coding-DNA position 823, C replaced by T.
Protein change: p.Pro275Ser; replaces proline 275 with serine.
Molecular consequence: missense variant.
Genome position (GRCh38, 1-based): chr7:75,983,521, C>T. VCF-style: chr7-75983521-C-T. GRCh37 (hg19) VCF-style: chr7-75612839-C-T.
Other names: c.832C>T (NM_000941.2); c.823C>T, p.Pro275Ser (NM_001367562.3, NM_001382657.2, NM_001382658.3 and 2 more transcripts); c.877C>T, p.Pro293Ser (NM_001382655.3); short protein forms P275S, P293S.
Identifiers: ClinVar variation 4690090 (VCV004690090.1).

ClinVar aggregate classification (germline): Uncertain significance (1 of 4 stars; one submission).

gnomAD v4.1: 2 of 1,611,788 alleles (0.00012%); no homozygotes.

Submission:

GeneDx
Classification: Uncertain significance. Last evaluated: 2025-08-01. Review status: criteria provided, single submitter. Criteria: GeneDx Variant Classification Process June 2021. Collection method: clinical testing. Allele origin: germline. Affected: yes.
Comment: Not observed at significant frequency in large population cohorts (gnomAD); In silico analysis supports that this missense variant has a deleterious effect on protein structure/function; Has not been previously published as pathogenic or benign to our knowledge